The following is an entry in ClinVar:

ClinVar aggregate classification (germline): Conflicting classifications of pathogenicity. Review status: criteria provided, conflicting classifications (1 of 4 stars). 3 submissions from 3 submitters: Uncertain significance (2); Likely benign (1). Last evaluated 2025-04-21.

Conditions:
Megalencephaly-polymicrogyria-postaxial polydactyly-hydrocephalus syndrome. Also called: MPPH Syndrome; MEG-PMG-MEGACC SYNDROME. Identifiers: Orphanet 83473, MedGen C1863924, MONDO:0019375.
Inborn genetic diseases. Identifiers: MedGen C0950123, MeSH D030342.

gnomAD v4.1: 47 of 1,610,140 alleles (0.0029%); highest among the groups gnomAD compares: Admixed American, 0.015%; no homozygotes.

Submissions (3):

Labcorp Genetics (formerly Invitae), Labcorp
Classification: Likely benign for Megalencephaly-polymicrogyria-postaxial polydactyly-hydrocephalus syndrome. Last evaluated: 2025-04-21. Review status: criteria provided, single submitter. Criteria: Invitae Variant Classification Sherloc (09022015). Collection method: clinical testing. Allele origin: germline.

Ambry Genetics
Classification: Uncertain significance for Inborn genetic diseases. Last evaluated: 2024-07-27. Review status: criteria provided, single submitter. Criteria: Ambry Variant Classification Scheme 2023. Collection method: clinical testing. Allele origin: germline.

CeGaT Center for Human Genetics Tuebingen
Classification: Uncertain significance. Last evaluated: 2022-09-01. Review status: criteria provided, single submitter. Criteria: CeGaT Center For Human Genetics Tuebingen Variant Classification Criteria Version 2. Collection method: clinical testing. Allele origin: germline. Affected: yes. Observed: 1 variant allele.
Comment: PIK3R2: PP3

NM_005027.4(PIK3R2):c.1987G>C (p.Gly663Arg)

Gene: PIK3R2 (phosphoinositide-3-kinase regulatory subunit 2; plus strand). Cytogenetic location: 19p13.11.
Variant type: single nucleotide variant.
Coding change: c.1987G>C on transcript NM_005027.4 (MANE Select); coding-DNA position 1987, G replaced by C.
Protein change: p.Gly663Arg; replaces glycine 663 with arginine.
Molecular consequence: missense variant. On other transcripts: non-coding transcript variant (2).
Genome position (GRCh38, 1-based): chr19:18,169,094, G>C. VCF-style: chr19-18169094-G-C. GRCh37 (hg19) VCF-style: chr19-18279904-G-C.
Other names: c.1987G>C (NM_005027.2); short protein forms G663R.
Identifiers: ClinVar variation 2077921 (VCV002077921.29), dbSNP rs768641921, ClinGen allele CA9307234.